The following is an entry in ClinVar:

ClinVar aggregate classification (germline): Conflicting classifications of pathogenicity. Review status: criteria provided, conflicting classifications (1 of 4 stars). 3 submissions from 3 submitters: Uncertain significance (2); Likely benign (1). Last evaluated 2026-03-25.

Allele frequency attached by ClinVar (database versions not stated): 1000 Genomes Project 30x 0.00016; TOPMed 0.00021; gnomAD 0.00022; ESP Exome Variant Server 0.00023.

Submissions (3):

Women's Health and Genetics/Laboratory Corporation of America, LabCorp
Classification: Uncertain significance. Last evaluated: 2026-03-25. Review status: criteria provided, single submitter. Criteria: LabCorp Variant Classification Summary - May 2015. Collection method: clinical testing. Allele origin: germline.
Comment: Variant summary: HABP2 c.499C>T (p.Arg167Trp) results in a non-conservative amino acid change in the encoded protein sequence. Algorithms developed to predict the effect of missense changes on protein structure and function are either unavailable or do not agree on the potential impact of this missense change. The variant allele was found at a frequency of 0.00021 in 251426 control chromosomes. This frequency is not significantly higher than estimated for disease-causing variants in HABP2, allowing no conclusion about variant significance. To our knowledge, no occurrence of c.499C>T in individuals affected with HABP2-related conditions and no experimental evidence demonstrating its impact on protein function have been reported. ClinVar contains an entry for this variant (Variation ID: 2296213). Based on the evidence outlined above, the variant was classified as uncertain significance.

Ambry Genetics
Classification: Uncertain significance. Last evaluated: 2024-10-11. Review status: criteria provided, single submitter. Criteria: Ambry Variant Classification Scheme 2023. Collection method: clinical testing. Allele origin: germline.

Blueprint Genetics
Classification: Likely benign. Last evaluated: 2024-07-31. Review status: criteria provided, single submitter. Criteria: ACMG Guidelines, 2015. Collection method: clinical testing. Allele origin: germline.

NM_004132.5(HABP2):c.499C>T (p.Arg167Trp)

Gene: HABP2 (hyaluronan binding protein 2; plus strand). Cytogenetic location: 10q25.3.
Variant type: single nucleotide variant.
Coding change: c.499C>T on transcript NM_004132.5 (MANE Select); coding-DNA position 499, C replaced by T.
Protein change: p.Arg167Trp; replaces arginine 167 with tryptophan.
Molecular consequence: missense variant.
Genome position (GRCh38, 1-based): chr10:113,578,076, C>T. VCF-style: chr10-113578076-C-T. GRCh37 (hg19) VCF-style: chr10-115337835-C-T.
Other names: c.421C>T, p.Arg141Trp (NM_001177660.3); short protein forms R167W, R141W.
Identifiers: ClinVar variation 2296213 (VCV002296213.5), dbSNP rs145980446, ClinGen allele CA5693651.
Genomic context (GRCh38, chr10:113,578,076, plus strand): 5'-GTGTTCACAGTGGTTCCTGTATGCAGGCCAAACCCCTGCCAGAATGGGGCTACCTGCTCC[C>T]GGCATAAGCGGAGATCCAAGTTCACCTGTGCCTGTCCCGACCAGTTCAAGGGGAAATTCT-3'
Protein context (NP_004123.1, residues 157-177): NPCQNGATCS[Arg167Trp]HKRRSKFTCA